The following is an entry in ClinVar:

NM_000245.4(MET):c.3658G>C (p.Val1220Leu)

Gene: MET (MET proto-oncogene, receptor tyrosine kinase; plus strand). Cytogenetic location: 7q31.2.
Variant type: single nucleotide variant.
Coding change: c.3658G>C on transcript NM_000245.4 (MANE Select); coding-DNA position 3658, G replaced by C.
Protein change: p.Val1220Leu; replaces valine 1220 with leucine.
Molecular consequence: missense variant.
Genome position (GRCh38, 1-based): chr7:116,783,329, G>C. VCF-style: chr7-116783329-G-C. GRCh37 (hg19) VCF-style: chr7-116423383-G-C.
Other names: c.3712G>C, p.Val1238Leu (NM_001127500.3); c.2368G>C, p.Val790Leu (NM_001324402.2); c.3712G>C (NM_001127500.1); short protein forms V1220L, V1238L, V790L.
Identifiers: ClinVar variation 1192249 (VCV001192249.2), dbSNP rs121913670, ClinGen allele CA368991469.
Genomic context (GRCh38, chr7:116,783,329, plus strand): 5'-TCAGCCACGGGTAATAATTTTTGTCCTTTCTGTAGGCTGGATGAAAAATTCACAGTCAAG[G>C]TTGCTGATTTTGGTCTTGCCAGAGACATGTATGATAAAGAATACTATAGTGTACACAACA-3'
Protein context (NP_000236.2, residues 1210-1230): CMLDEKFTVK[Val1220Leu]ADFGLARDMY

ClinVar aggregate classification (germline): Uncertain significance. Review status: criteria provided, multiple submitters, no conflicts (2 of 4 stars). 2 submissions from 2 submitters: Uncertain significance (2). Last evaluated 2025-09-10.

Conditions:
Hereditary cancer-predisposing syndrome. Also called: Neoplastic Syndromes, Hereditary; Hereditary neoplastic syndrome; Hereditary Cancer Syndrome; Tumor predisposition. Identifiers: Orphanet 140162, MedGen C0027672, MeSH D009386, MONDO:0015356.

Submissions (2):

Ambry Genetics
Classification: Uncertain significance for Hereditary cancer-predisposing syndrome. Last evaluated: 2025-09-10. Review status: criteria provided, single submitter. Criteria: Ambry Variant Classification Scheme 2023. Collection method: clinical testing. Allele origin: germline.
Comment: The p.V1238L variant (also known as c.3712G>C), located in coding exon 18 of the MET gene, results from a G to C substitution at nucleotide position 3712. The valine at codon 1238 is replaced by leucine, an amino acid with highly similar properties. This amino acid position is highly conserved in available vertebrate species. In addition, the in silico prediction for this alteration is inconclusive. Based on the available evidence, the clinical significance of this variant remains unclear.

Women's Health and Genetics/Laboratory Corporation of America, LabCorp
Classification: Uncertain significance. Last evaluated: 2021-07-26. Review status: criteria provided, single submitter. Criteria: LabCorp Variant Classification Summary - May 2015. Collection method: clinical testing. Allele origin: germline.
Comment: Variant summary: MET c.3712G>C (p.Val1238Leu) results in a conservative amino acid change in the encoded protein sequence. Three of five in-silico tools predict a damaging effect of the variant on protein function. The variant was absent in 249282 control chromosomes. The available data on variant occurrences in the general population are insufficient to allow any conclusion about variant significance. To our knowledge, no occurrence of c.3712G>C in individuals affected with Papillary Renal Cell Carcinoma and no experimental evidence demonstrating its impact on protein function have been reported. No clinical diagnostic laboratories have submitted clinical-significance assessments for this variant to ClinVar after 2014. Based on the evidence outlined above, the variant was classified as uncertain significance.